The following is an entry in ClinVar:

ClinVar aggregate classification (germline): Uncertain significance (1 of 4 stars; one submission).

Submission:

Ambry Genetics
Classification: Uncertain significance. Last evaluated: 2024-11-21. Review status: criteria provided, single submitter. Criteria: Ambry Variant Classification Scheme 2023. Collection method: clinical testing. Allele origin: germline.
Comment: The p.F554L variant (also known as c.1660T>C), located in coding exon 1 of the MLH3 gene, results from a T to C substitution at nucleotide position 1660. The phenylalanine at codon 554 is replaced by leucine, an amino acid with highly similar properties. This amino acid position is conserved. In addition, this alteration is predicted to be tolerated by in silico analysis. Since supporting evidence is limited at this time, the clinical significance of this alteration remains unclear.

NM_001040108.2(MLH3):c.1660T>C (p.Phe554Leu)

Gene: MLH3 (mutL homolog 3; minus strand). Cytogenetic location: 14q24.3.
Variant type: single nucleotide variant.
Coding change: c.1660T>C on transcript NM_001040108.2 (MANE Select); coding-DNA position 1660, T replaced by C.
Protein change: p.Phe554Leu; replaces phenylalanine 554 with leucine.
Molecular consequence: missense variant.
Genome position (GRCh38, 1-based): chr14:75,047,996, A>G on the plus strand (T>C on the coding strand, the complement: MLH3 is on the minus strand). VCF-style: chr14-75047996-A-G. GRCh37 (hg19) VCF-style: chr14-75514699-A-G.
Other names: c.1660T>C, p.Phe554Leu (NM_014381.3); short protein forms F554L.
Identifiers: ClinVar variation 1777485 (VCV001777485.3), dbSNP rs2503290147, ClinGen allele CA390444690.